The following is an entry in ClinVar:

ClinVar aggregate classification (germline): Conflicting classifications of pathogenicity. Review status: criteria provided, conflicting classifications (1 of 4 stars). 3 submissions from 3 submitters: Likely pathogenic (1); Uncertain significance (2). Last evaluated 2023-07-27.

Conditions:
Clark-Baraitser syndrome. Also called: Intellectual disability, autosomal dominant 49; MENTAL RETARDATION, AUTOSOMAL DOMINANT 49; BARAITSER SYNDROME; Mental retardation, tall stature, obesity, macrocephaly and typical facial features. Identifiers: Orphanet 600731, MedGen C2931130, MONDO:0030914, OMIM 617752.

Submissions (4):

GeneDx
Classification: Uncertain significance. Last evaluated: 2023-07-27. Review status: criteria provided, single submitter. Criteria: GeneDx Variant Classification Process June 2021. Collection method: clinical testing. Allele origin: germline. Affected: yes.
Comment: Not observed at significant frequency in large population cohorts (gnomAD); In silico analysis supports that this missense variant has a deleterious effect on protein structure/function; Has not been previously published as pathogenic or benign to our knowledge

Blueprint Genetics
Classification: Uncertain significance. Last evaluated: 2023-06-16. Review status: criteria provided, single submitter. Criteria: ACMG Guidelines, 2015. Collection method: clinical testing. Allele origin: germline.

Victorian Clinical Genetics Services, Murdoch Childrens Research Institute
Classification: Likely pathogenic for Clark-Baraitser syndrome. Last evaluated: 2022-02-02. Review status: criteria provided, single submitter. Criteria: ACMG Guidelines, 2015. Collection method: clinical testing. Allele origin: germline. Inheritance: Autosomal dominant inheritance. Affected: yes.
Comment: Based on the classification scheme VCGS_Germline_v1.3.4, this variant is classified as Likely pathogenic. Following criteria are met: 0102 - Loss of function is a known mechanism of disease in this gene and is associated with Clark-Baraitser syndrome (MIM#617752). (I) 0107 - This gene is associated with autosomal dominant disease. (I) 0200 - Variant is predicted to result in a missense amino acid change from arginine to tryptophan. (I) 0251 - This variant is heterozygous. (I) 0301 - Variant is absent from gnomAD (both v2 and v3). (SP) 0501 - Missense variant consistently predicted to be damaging by multiple in silico tools or highly conserved with a major amino acid change. (SP) 0603 - Missense variant in a region that is highly intolerant to missense variation (high constraint region in DECIPHER). (SP) 0705 - No comparable missense variants have previous evidence for pathogenicity. (I) 0807 - This variant has no previous evidence of pathogenicity. (I) 0905 - No published segregation evidence has been identified for this variant. (I) 1007 - No published functional evidence has been identified for this variant. (SP) Legend: (SP) - Supporting pathogenic, (I) - Information, (SB) - Supporting benign

Dr. Peter K. Rogan Lab, Western University
No classification provided (evidence only). Condition: Gastric cancer. Review status: no classification provided. Collection method: in vitro. Allele origin: not applicable. Functional consequence: retained intron. Not counted in ClinVar's aggregate classification.

NM_001348323.3(TRIP12):c.4864C>T (p.Arg1622Trp)

Gene: TRIP12 (thyroid hormone receptor interactor 12; minus strand). Cytogenetic location: 2q36.3.
Variant type: single nucleotide variant.
Coding change: c.4864C>T on transcript NM_001348323.3 (MANE Select); coding-DNA position 4864, C replaced by T.
Protein change: p.Arg1622Trp; replaces arginine 1622 with tryptophan.
Molecular consequence: missense variant.
Genome position (GRCh38, 1-based): chr2:229,787,636, G>A on the plus strand (C>T on the coding strand, the complement: TRIP12 is on the minus strand). VCF-style: chr2-229787636-G-A. GRCh37 (hg19) VCF-style: chr2-230652352-G-A.
Other names: NC_000002.11:g.230652352G>A; c.4783C>T, p.Arg1595Trp (NM_001284214.2, NM_001348315.2); c.4738C>T, p.Arg1580Trp (NM_001284215.2, NM_001348316.2); c.3829C>T, p.Arg1277Trp (NM_001284216.2); c.4723C>T, p.Arg1575Trp (NM_001348317.1, NM_001348318.2); c.4849C>T, p.Arg1617Trp (NM_001348319.1, NM_001348320.2); c.4852C>T, p.Arg1618Trp (NM_001348321.1); c.4864C>T, p.Arg1622Trp (NM_001348322.1, NM_001348324.2, NM_001348325.2 and 2 more transcripts); and 5 more; short protein forms R1277W, R1547W, R1548W, R1575W, R1580W, R1588W, R1595W, R1596W.
Identifiers: ClinVar variation 1343892 (VCV001343892.6), dbSNP rs1320218400, ClinGen allele CA350893062.